The following is an entry in ClinVar:

ClinVar aggregate classification (germline): Conflicting classifications of pathogenicity. Review status: criteria provided, conflicting classifications (1 of 4 stars). 3 submissions from 3 submitters: Uncertain significance (2); Likely benign (1). Last evaluated 2025-02-04.

Conditions:
Polycystic kidney disease, adult type (PKD1). Also called: Polycystic Kidney Disease 1, Autosomal Dominant; Polycystic kidney disease 1; Polycystic kidney disease 1, severe; Polycystic Kidney, Autosomal Dominant; POLYCYSTIC KIDNEY DISEASE 1 WITH OR WITHOUT POLYCYSTIC LIVER DISEASE; POLYCYSTIC KIDNEY DISEASE, ADULT, TYPE I. Identifiers: MedGen C3149841, MONDO:0008263, OMIM 173900.
Inborn genetic diseases. Identifiers: MedGen C0950123, MeSH D030342.

Allele frequency attached by ClinVar (database versions not stated): gnomAD exomes 0.00001; ExAC 0.00004; TOPMed 0.00006; gnomAD 0.00007; ESP Exome Variant Server 0.00015.
gnomAD v4.1: 33 of 1,612,038 alleles (0.002%); highest among the groups gnomAD compares: African/African-American, 0.015%; no homozygotes.

Submissions (3):

Ambry Genetics
Classification: Likely benign for Inborn genetic diseases. Last evaluated: 2025-02-04. Review status: criteria provided, single submitter. Criteria: Ambry Variant Classification Scheme 2023. Collection method: clinical testing. Allele origin: germline.

Fulgent Genetics
Classification: Uncertain significance for Polycystic kidney disease, adult type. Last evaluated: 2024-05-15. Review status: criteria provided, single submitter. Criteria: ACMG Guidelines, 2015. Collection method: clinical testing. Allele origin: germline.

GeneDx
Classification: Uncertain significance. Last evaluated: 2022-06-01. Review status: criteria provided, single submitter. Criteria: GeneDx Variant Classification Process June 2021. Collection method: clinical testing. Allele origin: germline. Affected: yes.
Comment: In silico analysis supports that this missense variant does not alter protein structure/function; Has not been previously published as pathogenic or benign to our knowledge

NM_001009944.3(PKD1):c.10366G>A (p.Ala3456Thr)

Gene: PKD1 (polycystin 1, transient receptor potential channel interacting; minus strand). Cytogenetic location: 16p13.3.
Variant type: single nucleotide variant.
Coding change: c.10366G>A on transcript NM_001009944.3 (MANE Select); coding-DNA position 10366, G replaced by A.
Protein change: p.Ala3456Thr; replaces alanine 3456 with threonine.
Molecular consequence: missense variant.
Genome position (GRCh38, 1-based): chr16:2,097,358, C>T on the plus strand (G>A on the coding strand, the complement: PKD1 is on the minus strand). VCF-style: chr16-2097358-C-T. GRCh37 (hg19) VCF-style: chr16-2147359-C-T.
Other names: c.10363G>A, p.Ala3455Thr (NM_000296.4); c.10363G>A (NM_000296.3); short protein forms A3455T, A3456T.
Identifiers: ClinVar variation 1801898 (VCV001801898.3), dbSNP rs370498086, ClinGen allele CA7829640.